The following is an entry in ClinVar:

NM_000525.4(KCNJ11):c.-559G>C

Gene: KCNJ11 (potassium inwardly rectifying channel subfamily J member 11; minus strand). Cytogenetic location: 11p15.1.
Variant type: single nucleotide variant.
Coding change: c.-559G>C on transcript NM_000525.4 (MANE Select); 559 bases upstream of the start codon, G replaced by C.
Molecular consequence: 5 prime UTR variant. On other transcripts: intron variant (3).
Genome position (GRCh38, 1-based): chr11:17,388,650, C>G on the plus strand (G>C on the coding strand, the complement: KCNJ11 is on the minus strand). VCF-style: chr11-17388650-C-G. GRCh37 (hg19) VCF-style: chr11-17410197-C-G.
Other names: c.-17+524G>C (NM_001166290.2); c.-17+191G>C (NM_001377297.1); c.-76+191G>C (NM_001377296.1).
Identifiers: ClinVar variation 303745 (VCV000303745.11), dbSNP rs547932593, ClinGen allele CA10638591.

ClinVar aggregate classification (germline): Conflicting classifications of pathogenicity. Review status: criteria provided, conflicting classifications (1 of 4 stars). 6 submissions from 4 submitters: Uncertain significance (2); Benign (1); Likely benign (3). Last evaluated 2025-09-10.

Conditions:
Maturity-onset diabetes of the young (MODY). Also called: Maturity onset diabetes mellitus in young. Identifiers: Orphanet 552, MedGen C0342276, MONDO:0018911, HP:0004904.
Diabetes mellitus, permanent neonatal 2. Also called: KCNJ11-Related Permanent Neonatal Diabetes Mellitus. Identifiers: MedGen C5394296, MONDO:0030087, OMIM 618856.
Maturity-onset diabetes of the young type 13. Also called: MODY, TYPE 13. Identifiers: Orphanet 552, MedGen C4225365, MONDO:0014589, OMIM 616329.
Diabetes mellitus, transient neonatal, 3 (TNDM3). Identifiers: Orphanet 99886, MedGen C1864623, MONDO:0012522, OMIM 610582. Disease mechanism: loss of function.
Hyperinsulinemic hypoglycemia, familial, 2. Also called: HYPERINSULINEMIC HYPOGLYCEMIA, PERSISTENT; HYPERINSULINISM, NEONATAL. Identifiers: Orphanet 276580, Orphanet 276603, MedGen C2931833, MONDO:0011153, OMIM 601820. Disease mechanism: loss of function.

Allele frequency attached by ClinVar (database versions not stated): 1000 Genomes Project 30x 0.00031; 1000 Genomes Project 0.00040; TOPMed 0.00040.
gnomAD v4.1: 157 of 357,478 alleles (0.044%); highest among the groups gnomAD compares: Middle Eastern, 0.17%; 1 homozygote.

Submissions (6):

Genomic Medicine Center of Excellence, King Faisal Specialist Hospital and Research Centre
Classification: Likely benign for Diabetes mellitus, permanent neonatal 2. Last evaluated: 2025-09-10. Review status: criteria provided, single submitter. Criteria: ACMG Guidelines, 2015. Collection method: clinical testing. Allele origin: germline.

Illumina Laboratory Services, Illumina
Classification: Uncertain significance for Hyperinsulinemic hypoglycemia, familial, 2. Last evaluated: 2018-01-13. Review status: criteria provided, single submitter. Criteria: ICSL Variant Classification Criteria 13 December 2019. Collection method: clinical testing. Allele origin: germline.

Illumina Laboratory Services, Illumina
Classification: Benign for Diabetes mellitus, transient neonatal, 3. Last evaluated: 2018-01-13. Review status: criteria provided, single submitter. Criteria: ICSL Variant Classification Criteria 13 December 2019. Collection method: clinical testing. Allele origin: germline.
Comment: This variant was observed in the ICSL laboratory as part of a predisposition screen in an ostensibly healthy population. It had not been previously curated by ICSL or reported in the Human Gene Mutation Database (HGMD: prior to June 1st, 2018), and was therefore a candidate for classification through an automated scoring system. Utilizing variant allele frequency, disease prevalence and penetrance estimates, and inheritance mode, an automated score was calculated to assess if this variant is too frequent to cause the disease. Based on the score and internal cut-off values, a variant classified as benign is not then subjected to further curation. The score for this variant resulted in a classification of benign for this disease.

Illumina Laboratory Services, Illumina
Classification: Likely benign for Maturity-onset diabetes of the young type 13. Last evaluated: 2018-01-13. Review status: criteria provided, single submitter. Criteria: ICSL Variant Classification Criteria 13 December 2019. Collection method: clinical testing. Allele origin: germline.
Comment: This variant was observed in the ICSL laboratory as part of a predisposition screen in an ostensibly healthy population. It had not been previously curated by ICSL or reported in the Human Gene Mutation Database (HGMD: prior to June 1st, 2018), and was therefore a candidate for classification through an automated scoring system. Utilizing variant allele frequency, disease prevalence and penetrance estimates, and inheritance mode, an automated score was calculated to assess if this variant is too frequent to cause the disease. Based on the score and internal cut-off values, a variant classified as likely benign is not then subjected to further curation. The score for this variant resulted in a classification of likely benign for this disease.

Genetic Services Laboratory, University of Chicago
Classification: Likely benign. Last evaluated: 2017-10-13. Review status: criteria provided, single submitter. Criteria: ACMG Guidelines, 2015. Collection method: clinical testing. Allele origin: germline. Affected: no.

Clinical Genomics, Uppaluri K&H Personalized Medicine Clinic
Classification: Uncertain significance for Maturity-onset diabetes of the young. Review status: criteria provided, single submitter. Criteria: K & H Uppaluri Personalized Medicine Clinic Variant Classification & Assertion Criteria_Updated V.1. Collection method: research. Allele origin: somatic. Inheritance: Autosomal dominant inheritance.
Comment: Mutations in KCNJ11 gene can cause decreased production and secretion of insulin. This can lead to MODY which may be responsive to oral sulfonylureas. It is also associated with Neonatal Diabetes. However, no sufficient evidence is found to ascertain the role of this particular variant (rs547932593) in MODY yet.

Literature cited by the submitters: PubMed 26448950 (cited by Clinical Genomics, Uppaluri K&H Personalized Medicine Clinic); PubMed 15580558 (cited by Clinical Genomics, Uppaluri K&H Personalized Medicine Clinic); PubMed 15718250 (cited by Clinical Genomics, Uppaluri K&H Personalized Medicine Clinic); PubMed 32935446 (cited by Clinical Genomics, Uppaluri K&H Personalized Medicine Clinic); PubMed 22701567 (cited by Clinical Genomics, Uppaluri K&H Personalized Medicine Clinic).